The following is an entry in ClinVar:

NM_006158.5(NEFL):c.529C>T (p.Arg177Cys)

Gene: NEFL (neurofilament light chain; minus strand). Cytogenetic location: 8p21.2.
Variant type: single nucleotide variant.
Coding change: c.529C>T on transcript NM_006158.5 (MANE Select); coding-DNA position 529, C replaced by T.
Protein change: p.Arg177Cys; replaces arginine 177 with cysteine.
Molecular consequence: missense variant.
Genome position (GRCh38, 1-based): chr8:24,955,987, G>A on the plus strand (C>T on the coding strand, the complement: NEFL is on the minus strand). VCF-style: chr8-24955987-G-A. GRCh37 (hg19) VCF-style: chr8-24813501-G-A.
Other names: short protein forms R177C.
Identifiers: ClinVar variation 3918657 (VCV003918657.2).

ClinVar aggregate classification (germline): Uncertain significance. Review status: criteria provided, multiple submitters, no conflicts (2 of 4 stars). 2 submissions from 2 submitters: Uncertain significance (2). Last evaluated 2026-05-13.

Conditions:
Inborn genetic diseases. Identifiers: MedGen C0950123, MeSH D030342.
NEFL-related disorder. Also called: NEFL-related condition.

gnomAD v4.1: 8 of 1,603,354 alleles (0.0005%); highest among the groups gnomAD compares: Non-Finnish European, 0.00059%; no homozygotes.

Submissions (2):

PreventionGenetics, part of Exact Sciences
Classification: Uncertain significance for NEFL-related condition. Last evaluated: 2026-05-13. Review status: criteria provided, single submitter. Criteria: ACMG Guidelines, 2015. Collection method: clinical testing. Allele origin: germline.
Comment: The NEFL c.529C>T variant is predicted to result in the amino acid substitution p.Arg177Cys. To our knowledge, this variant has not been reported in the literature or in a large population database (gnomAD), indicating this variant is rare. At this time, the clinical significance of this variant is uncertain due to the absence of conclusive functional and genetic evidence.

Ambry Genetics
Classification: Uncertain significance for Inborn genetic diseases. Last evaluated: 2025-06-11. Review status: criteria provided, single submitter. Criteria: Ambry Variant Classification Scheme 2023. Collection method: clinical testing. Allele origin: germline.